The following is an entry in ClinVar:

NM_001009944.3(PKD1):c.11017-9G>A

Genes: PKD1 (polycystin 1, transient receptor potential channel interacting; minus strand), PKD1-AS1 (PKD1 antisense RNA 1; plus strand). Cytogenetic location: 16p13.3.
Variant type: single nucleotide variant.
Coding change: c.11017-9G>A on transcript NM_001009944.3 (MANE Select); 9 bases into the intron before coding-DNA position 11017, G replaced by A.
Molecular consequence: intron variant.
Genome position (GRCh38, 1-based): chr16:2,093,102, C>T on the plus strand (G>A on the coding strand, the complement: PKD1 is on the minus strand). VCF-style: chr16-2093102-C-T. GRCh37 (hg19) VCF-style: chr16-2143103-C-T.
Other names: c.11017-9G>A (NM_001009944.2); c.11014-9G>A (NM_000296.4).
Identifiers: ClinVar variation 3895619 (VCV003895619.2).

ClinVar aggregate classification (germline): Likely benign. Review status: criteria provided, multiple submitters, no conflicts (2 of 4 stars). 2 submissions from 2 submitters: Likely benign (2). Last evaluated 2025-03-17.

Conditions:
PKD1-related disorder. Also called: PKD1-related condition.

gnomAD v4.1: 60 of 1,611,756 alleles (0.0037%); highest among the groups gnomAD compares: Middle Eastern, 0.018%; no homozygotes.

Submissions (2):

Women's Health and Genetics/Laboratory Corporation of America, LabCorp
Classification: Likely benign. Last evaluated: 2025-03-17. Review status: criteria provided, single submitter. Criteria: LabCorp Variant Classification Summary - May 2015. Collection method: clinical testing. Allele origin: germline.
Comment: Variant summary: PKD1 c.11017-9G>A alters a non-conserved nucleotide located at a position not widely known to affect splicing. Consensus agreement among computation tools predict no significant impact on normal splicing. However, these predictions have yet to be confirmed by functional studies. The variant allele was found at a frequency of 6.1e-05 in 247804 control chromosomes. This frequency is not significantly higher than estimated for a pathogenic variant in PKD1 causing PKD1-Biallelic Autosomal Recessive Polycystic Kidney Disease, allowing no conclusion about variant significance. To our knowledge, no occurrence of c.11017-9G>A in individuals affected with PKD1-related conditions and no experimental evidence demonstrating its impact on protein function have been reported. No submitters have cited clinical-significance assessments for this variant to ClinVar. Based on the evidence outlined above, the variant was classified as likely benign.

PreventionGenetics, part of Exact Sciences
Classification: Likely benign for PKD1-related condition. Last evaluated: 2024-12-30. Review status: criteria provided, single submitter. Criteria: ACMG Guidelines, 2015. Collection method: clinical testing. Allele origin: germline.
Comment: This variant is classified as likely benign based on ACMG/AMP sequence variant interpretation guidelines (Richards et al. 2015 PMID: 25741868, with internal and published modifications).